The following is an entry in ClinVar:

NM_001165963.4(SCN1A):c.3525_3526insTCTTCAGGTTCT (p.Leu1175_Glu1176insSerSerGlySer)

Genes: SCN1A (sodium voltage-gated channel alpha subunit 1; minus strand), LOC102724058 (uncharacterized LOC102724058; plus strand). Cytogenetic location: 2q24.3.
Variant type: Insertion.
Coding change: c.3525_3526insTCTTCAGGTTCT on transcript NM_001165963.4 (MANE Select); coding-DNA positions 3525 to 3526, TCTTCAGGTTCT inserted.
Protein change: p.Leu1175_Glu1176insSerSerGlySer.
Molecular consequence: inframe insertion. On other transcripts: non-coding transcript variant (2).
Genome position: GRCh38 VCF-style: chr2-166015631-C-CAGAACCTGAAGA. GRCh37 (hg19) VCF-style: chr2-166872141-C-CAGAACCTGAAGA.
Other names: c.3441_3442insTCTTCAGGTTCT, p.Leu1147_Glu1148insSerSerGlySer (NM_001165964.3, NM_001353957.2, NM_001353958.2); c.3525_3526insTCTTCAGGTTCT, p.Leu1175_Glu1176insSerSerGlySer (NM_001202435.3, NM_001353948.2); c.3492_3493insTCTTCAGGTTCT, p.Leu1164_Glu1165insSerSerGlySer (NM_001353949.2, NM_001353950.2, NM_001353951.2 and 2 more transcripts); c.3489_3490insTCTTCAGGTTCT, p.Leu1163_Glu1164insSerSerGlySer (NM_001353954.2, NM_001353955.2); c.3438_3439insTCTTCAGGTTCT, p.Leu1146_Glu1147insSerSerGlySer (NM_001353960.2); c.1083_1084insTCTTCAGGTTCT, p.Leu361_Glu362insSerSerGlySer (NM_001353961.2).
Identifiers: ClinVar variation 1969095 (VCV001969095.5), dbSNP rs2468548535, ClinGen allele CA2580064353.
Genomic context (GRCh38, chr2:166,015,631, plus strand): 5'-CAAATGAAAGATTAACATTAGGATTCTTTTCTTTACCTTCAGTGAAACAAGCTTCTGGTT[C>CAGAACCTGAAGA]AAGAGTTTCTTCAGGTTCCACTACGGGCTGTTCTTCTACAGGTGCGCCGATGTCCACAGT-3'

ClinVar aggregate classification (germline): Uncertain significance (1 of 4 stars; one submission).

Conditions:
Early-infantile DEE. Also called: Early infantile epileptic encephalopathy; Ohtahara syndrome; Early infantile epileptic encephalopathy with suppression bursts. Identifiers: Orphanet 1934, MedGen C0393706, MONDO:0800491.

Submission:

Labcorp Genetics (formerly Invitae), Labcorp
Classification: Uncertain significance for Early-infantile DEE. Last evaluated: 2021-09-09. Review status: criteria provided, single submitter. Criteria: Invitae Variant Classification Sherloc (09022015). Collection method: clinical testing. Allele origin: germline.
Comment: In summary, the available evidence is currently insufficient to determine the role of this variant in disease. Therefore, it has been classified as a Variant of Uncertain Significance. This variant, c.3525_3526insTCTTCAGGTTCT, results in the insertion of 4 amino acid(s) to the SCN1A protein (p.Leu1175_Glu1176insSerSerGlySer), but otherwise preserves the integrity of the reading frame. This variant is not present in population databases (ExAC no frequency). This variant has not been reported in the literature in individuals affected with SCN1A-related conditions. Experimental studies and prediction algorithms are not available or were not evaluated, and the functional significance of this variant is currently unknown. Algorithms developed to predict the effect of sequence changes on RNA splicing suggest that this variant may create or strengthen a splice site.